The following is an entry in ClinVar:

ClinVar aggregate classification (germline): Benign. Review status: criteria provided, multiple submitters, no conflicts (2 of 4 stars). 12 submissions from 11 submitters: Benign (10). 2 of the submissions do not count toward it. Last evaluated 2026-02-03.

Conditions:
Corneal dystrophy. Identifiers: Orphanet 34533, MedGen C0010036, MONDO:0018102, HP:0001131.
Retinal dystrophy. Also called: Inherited retinal dystrophy. Identifiers: Orphanet 71862, MedGen C0854723, MeSH D058499, MONDO:0019118, HP:0000556.
Bietti crystalline corneoretinal dystrophy (BCD). Also called: Bietti Crystalline Dystrophy; BIETTI TAPETORETINAL DEGENERATION WITH MARGINAL CORNEAL DYSTROPHY. Identifiers: Orphanet 41751, MedGen C1859486, MONDO:0008865, OMIM 210370.

Allele frequency attached by ClinVar (database versions not stated): 1000 Genomes Project 30x 0.55793; 1000 Genomes Project 0.55931; gnomAD exomes 0.57338 and 0.61896; TOPMed 0.58441; ExAC 0.58525; gnomAD 0.60536 and 0.60911; ESP Exome Variant Server 0.62825.
gnomAD v4.1: 994,770 of 1,612,180 alleles (62%); highest among the groups gnomAD compares: Non-Finnish European, 64%; 310,979 homozygotes.

Submissions (12):

Labcorp Genetics (formerly Invitae), Labcorp
Classification: Benign. Last evaluated: 2026-02-03. Review status: criteria provided, single submitter. Criteria: Invitae Variant Classification Sherloc (09022015). Collection method: clinical testing. Allele origin: germline.

Blueprint Genetics
Classification: Benign. Last evaluated: 2024-11-26. Review status: criteria provided, single submitter. Criteria: ACMG Guidelines, 2015. Collection method: clinical testing. Allele origin: germline.

Dept Of Ophthalmology, Nagoya University
Classification: Benign for Retinal dystrophy. Last evaluated: 2023-10-01. Review status: criteria provided, single submitter. Criteria: Submitter's publication. Collection method: research. Allele origin: germline. Affected: yes.

Genome-Nilou Lab
Classification: Benign for Bietti crystalline corneoretinal dystrophy. Last evaluated: 2021-07-30. Review status: criteria provided, single submitter. Criteria: ACMG Guidelines, 2015. Collection method: clinical testing. Allele origin: germline. Affected: no.

GeneDx
Classification: Benign. Last evaluated: 2021-05-04. Review status: criteria provided, single submitter. Criteria: GeneDx Variant Classification Process June 2021. Collection method: clinical testing. Allele origin: germline. Affected: yes.
Comment: This variant is associated with the following publications: (PMID: 29083408, 18349091, 21232005, 20124536, 19278955)

Mendelics
Classification: Benign for Bietti crystalline corneoretinal dystrophy. Last evaluated: 2019-05-28. Review status: criteria provided, single submitter. Criteria: Mendelics Assertion Criteria 2017. Collection method: clinical testing. Allele origin: unknown.

Illumina Laboratory Services, Illumina
Classification: Benign for Corneal dystrophy. Last evaluated: 2018-03-06. Review status: criteria provided, single submitter. Criteria: ICSL Variant Classification Criteria 13 December 2019. Collection method: clinical testing. Allele origin: germline.
Comment: This variant was observed in the ICSL laboratory as part of a predisposition screen in an ostensibly healthy population. It had not been previously curated by ICSL or reported in the Human Gene Mutation Database (HGMD: prior to June 1st, 2018), and was therefore a candidate for classification through an automated scoring system. Utilizing variant allele frequency, disease prevalence and penetrance estimates, and inheritance mode, an automated score was calculated to assess if this variant is too frequent to cause the disease. Based on the score and internal cut-off values, a variant classified as benign is not then subjected to further curation. The score for this variant resulted in a classification of benign for this disease.

Illumina Laboratory Services, Illumina
Classification: Benign for Bietti crystalline corneoretinal dystrophy. Last evaluated: 2018-03-06. Review status: criteria provided, single submitter. Criteria: ICSL Variant Classification Criteria 13 December 2019. Collection method: clinical testing. Allele origin: germline.
Comment: the same text as in the submission from Illumina Laboratory Services, Illumina above.

Breakthrough Genomics
Classification: Benign. Review status: criteria provided, single submitter. Criteria: ACMG Guidelines, 2015. Collection method: not provided. Allele origin: germline. Inheritance: Autosomal recessive inheritance. Affected: yes.

PreventionGenetics, part of Exact Sciences
Classification: Benign. Review status: criteria provided, single submitter. Criteria: ACMG Guidelines, 2015. Collection method: clinical testing. Allele origin: germline.

Diagnostic Laboratory, Department of Genetics, University Medical Center Groningen
Classification: Benign. Review status: no assertion criteria provided. Collection method: clinical testing. Allele origin: germline. Affected: yes. Study: VKGL Data-share Consensus. Not counted in ClinVar's aggregate classification.

Joint Genome Diagnostic Labs from Nijmegen and Maastricht, Radboudumc and MUMC+
Classification: Benign. Review status: no assertion criteria provided. Collection method: clinical testing. Allele origin: germline. Affected: yes. Study: VKGL Data-share Consensus. Not counted in ClinVar's aggregate classification.

NM_207352.4(CYP4V2):c.775C>A (p.Gln259Lys)

Gene: CYP4V2 (cytochrome P450 family 4 subfamily V member 2; plus strand). Cytogenetic location: 4q35.1.
Variant type: single nucleotide variant.
Coding change: c.775C>A on transcript NM_207352.4 (MANE Select); coding-DNA position 775, C replaced by A.
Protein change: p.Gln259Lys; replaces glutamine 259 with lysine.
Molecular consequence: missense variant.
Genome position (GRCh38, 1-based): chr4:186,199,057, C>A. VCF-style: chr4-186199057-C-A. GRCh37 (hg19) VCF-style: chr4-187120211-C-A.
Other names: short protein forms Q259K.
Identifiers: ClinVar variation 263297 (VCV000263297.27), dbSNP rs13146272, ClinGen allele CA3162645.
Genomic context (GRCh38, chr4:186,199,057, plus strand): 5'-CTTTGGCTTGATCTCTGGTACCTTATGTTTAAAGAAGGATGGGAACACAAAAAGAGCCTT[C>A]AGATCCTACATACTTTTACCAACAGTGTAAGTCCCTGACTTTTACAATTGTGGTAAAATA-3'
Protein context (NP_997235.3, residues 249-269): KEGWEHKKSL[Gln259Lys]ILHTFTNSVI